The following is an entry in ClinVar:

ClinVar aggregate classification (germline): Uncertain significance (1 of 4 stars; one submission).

Submission:

Labcorp Genetics (formerly Invitae), Labcorp
Classification: Uncertain significance. Last evaluated: 2024-08-28. Review status: criteria provided, single submitter. Criteria: Invitae Variant Classification Sherloc (09022015). Collection method: clinical testing. Allele origin: germline.
Comment: This sequence change replaces alanine, which is neutral and non-polar, with threonine, which is neutral and polar, at codon 63 of the TUBB3 protein (p.Ala63Thr). This variant is not present in population databases (gnomAD no frequency). This variant has not been reported in the literature in individuals affected with TUBB3-related conditions. Invitae Evidence Modeling of protein sequence and biophysical properties (such as structural, functional, and spatial information, amino acid conservation, physicochemical variation, residue mobility, and thermodynamic stability) indicates that this missense variant is not expected to disrupt TUBB3 protein function with a negative predictive value of 80%. In summary, the available evidence is currently insufficient to determine the role of this variant in disease. Therefore, it has been classified as a Variant of Uncertain Significance.

NM_006086.4(TUBB3):c.187G>A (p.Ala63Thr)

Gene: TUBB3 (tubulin beta 3 class III; plus strand). Cytogenetic location: 16q24.3.
Variant type: single nucleotide variant.
Coding change: c.187G>A on transcript NM_006086.4 (MANE Select); coding-DNA position 187, G replaced by A.
Protein change: p.Ala63Thr; replaces alanine 63 with threonine.
Molecular consequence: missense variant. On other transcripts: 5 prime UTR variant (1).
Genome position (GRCh38, 1-based): chr16:89,933,488, G>A. VCF-style: chr16-89933488-G-A. GRCh37 (hg19) VCF-style: chr16-89999896-G-A.
Other names: c.-30G>A (NM_001197181.2); short protein forms A63T.
Identifiers: ClinVar variation 3663827 (VCV003663827.2).